The following is an entry in ClinVar:

ClinVar aggregate classification (germline): Uncertain significance (1 of 4 stars; one submission).

Conditions:
Hereditary cancer-predisposing syndrome. Also called: Tumor predisposition; Neoplastic Syndromes, Hereditary; Hereditary Cancer Syndrome; Hereditary neoplastic syndrome. Identifiers: Orphanet 140162, MedGen C0027672, MeSH D009386, MONDO:0015356.

Submission:

Ambry Genetics
Classification: Uncertain significance for Hereditary cancer-predisposing syndrome. Last evaluated: 2024-10-18. Review status: criteria provided, single submitter. Criteria: Ambry Variant Classification Scheme 2023. Collection method: clinical testing. Allele origin: germline.
Comment: The p.S151R variant (also known as c.453T>A), located in coding exon 6 of the BRCA1 gene, results from a T to A substitution at nucleotide position 453. The serine at codon 151 is replaced by arginine, an amino acid with dissimilar properties. This amino acid position is not well conserved in available vertebrate species. In addition, the in silico prediction for this alteration is inconclusive. Based on the available evidence, the clinical significance of this variant remains unclear.

NM_007294.4(BRCA1):c.453T>A (p.Ser151Arg)

Gene: BRCA1 (BRCA1 DNA repair associated; minus strand). Cytogenetic location: 17q21.31.
Variant type: single nucleotide variant.
Coding change: c.453T>A on transcript NM_007294.4 (MANE Select); coding-DNA position 453, T replaced by A.
Protein change: p.Ser151Arg; replaces serine 151 with arginine.
Molecular consequence: missense variant. On other transcripts: intron variant (2).
Genome position (GRCh38, 1-based): chr17:43,099,869, A>T on the plus strand (T>A on the coding strand, the complement: BRCA1 is on the minus strand). VCF-style: chr17-43099869-A-T. GRCh37 (hg19) VCF-style: chr17-41251886-A-T.
Other names: c.453T>A, p.Ser151Arg (NM_001407620.1, NM_001407622.1, NM_001407623.1 and 96 more transcripts); c.450T>A, p.Ser150Arg (NM_001407687.1, NM_001407688.1, NM_001407690.1 and 65 more transcripts); c.312T>A, p.Ser104Arg (NM_001407697.1, NM_001407692.1, NM_001407695.1 and 61 more transcripts); c.309T>A, p.Ser103Arg (NM_001407740.1, NM_001407741.1, NM_001407742.1 and 35 more transcripts); c.240T>A, p.Ser80Arg (NM_001407853.1, NM_001407894.1, NM_001407895.1 and 18 more transcripts); c.375T>A, p.Ser125Arg (NM_001407862.1, NM_001408409.1, NM_001408411.1 and 12 more transcripts); c.372T>A, p.Ser124Arg (NM_001407874.1, NM_001407875.1, NM_001408413.1 and 6 more transcripts); c.243T>A, p.Ser81Arg (NM_001407879.1, NM_001407881.1, NM_001407882.1 and 37 more transcripts); and 5 more; short protein forms S151R, S81R, S103R, S106R, S124R, S125R, S23R, S24R.
Identifiers: ClinVar variation 3481870 (VCV003481870.1).
Genomic context (GRCh38, chr17:43,099,869, plus strand): 5'-TATCCGCTGCTTTGTCCTCAGAGTTCTCACAGTTCCAAGGTTAGAGAGTTGGACACTGAG[A>T]CTGGTTTCCTGCTAAACAGTATGGTAAAGAACAGTCAAGCAATTGTTGGCCAGTTCTGTG-3'
Protein context (NP_009225.1, residues 141-161): EPENPSLQET[Ser151Arg]LSVQLSNLGT